The following is an entry in ClinVar:

ClinVar aggregate classification (germline): Likely benign. Review status: criteria provided, multiple submitters, no conflicts (2 of 4 stars). 2 submissions from 2 submitters: Likely benign (2). Last evaluated 2025-04-13.

Conditions:
Hereditary diffuse gastric adenocarcinoma (HDGC). Also called: DIFFUSE GASTRIC AND LOBULAR BREAST CANCER SYNDROME. Identifiers: Orphanet 26106, MedGen C1708349, MONDO:0007648, OMIM 137215.

Allele frequency attached by ClinVar (database versions not stated): gnomAD 0.00001; TOPMed 0.00002.

Submissions (2):

Labcorp Genetics (formerly Invitae), Labcorp
Classification: Likely benign. Last evaluated: 2025-04-13. Review status: criteria provided, single submitter. Criteria: Invitae Variant Classification Sherloc (09022015). Collection method: clinical testing. Allele origin: germline.

Myriad Genetics, Inc.
Classification: Likely benign for Hereditary diffuse gastric adenocarcinoma. Last evaluated: 2024-10-14. Review status: criteria provided, single submitter. Criteria: Myriad Autosomal Dominant, Autosomal Recessive and X-Linked Classification Criteria (2023). Collection method: clinical testing. Allele origin: unknown.
Comment: This variant is considered likely benign. This variant is intronic and is not expected to impact mRNA splicing.

NM_001903.5(CTNNA1):c.1900-7G>A

Gene: CTNNA1 (catenin alpha 1; plus strand). Cytogenetic location: 5q31.2.
Variant type: single nucleotide variant.
Coding change: c.1900-7G>A on transcript NM_001903.5 (MANE Select); 7 bases into the intron before coding-DNA position 1900, G replaced by A.
Molecular consequence: intron variant.
Genome position (GRCh38, 1-based): chr5:138,929,239, G>A. VCF-style: chr5-138929239-G-A. GRCh37 (hg19) VCF-style: chr5-138264928-G-A.
Other names: c.1900-7G>A (NM_001323982.2, NM_001323983.1, NM_001323984.2 and 2 more transcripts); c.1531-7G>A (NM_001290310.3); c.1591-7G>A (NM_001290309.3); c.790-7G>A (NM_001323996.1, NM_001323993.1, NM_001324005.1 and 17 more transcripts); c.451-7G>A (NM_001324007.1, NM_001324009.1, NM_001324006.1 and 2 more transcripts); c.547-7G>A (NM_001324013.1, NM_001324012.1); c.697-7G>A (NM_001324011.1); c.1807-7G>A (NM_001323986.2).
Identifiers: ClinVar variation 1133163 (VCV001133163.10), dbSNP rs1447212733, ClinGen allele CA804562862.
Genomic context (GRCh38, chr5:138,929,239, plus strand): 5'-GCTCAGGGTGGCTGGGGGCTGGTGGCCCAGAGATGTGTCTGACCTGTGATCTTTGTCTGG[G>A]TGGCAGACCCCTGAGGAGTTGGATGACTCTGACTTTGAGACAGAAGATTTTGATGTCAGA-3'